The following is an entry in ClinVar:

NM_005560.6(LAMA5):c.2375C>T (p.Pro792Leu)

Gene: LAMA5 (laminin subunit alpha 5; minus strand). Cytogenetic location: 20q13.33.
Variant type: single nucleotide variant.
Coding change: c.2375C>T on transcript NM_005560.6 (MANE Select); coding-DNA position 2375, C replaced by T.
Protein change: p.Pro792Leu; replaces proline 792 with leucine.
Molecular consequence: missense variant.
Genome position (GRCh38, 1-based): chr20:62,335,218, G>A on the plus strand (C>T on the coding strand, the complement: LAMA5 is on the minus strand). VCF-style: chr20-62335218-G-A. GRCh37 (hg19) VCF-style: chr20-60910274-G-A.
Other names: short protein forms P792L.
Identifiers: ClinVar variation 1990200 (VCV001990200.6), dbSNP rs372725879, ClinGen allele CA9943473.

ClinVar aggregate classification (germline): Uncertain significance. Review status: criteria provided, multiple submitters, no conflicts (2 of 4 stars). 2 submissions from 2 submitters: Uncertain significance (2). Last evaluated 2025-06-12.

Conditions:
Inborn genetic diseases. Identifiers: MedGen C0950123, MeSH D030342.

Allele frequency attached by ClinVar (database versions not stated): TOPMed 0.00004; gnomAD 0.00005; ExAC 0.00007; ESP Exome Variant Server 0.00008.
gnomAD v4.1: 80 of 1,612,578 alleles (0.005%); highest among the groups gnomAD compares: Middle Eastern, 0.099%; no homozygotes.

Submissions (2):

Labcorp Genetics (formerly Invitae), Labcorp
Classification: Uncertain significance. Last evaluated: 2025-06-12. Review status: criteria provided, single submitter. Criteria: Invitae Variant Classification Sherloc (09022015). Collection method: clinical testing. Allele origin: germline.
Comment: This sequence change replaces proline, which is neutral and non-polar, with leucine, which is neutral and non-polar, at codon 792 of the LAMA5 protein (p.Pro792Leu). This variant is present in population databases (rs372725879, gnomAD 0.04%). This variant has not been reported in the literature in individuals affected with LAMA5-related conditions. ClinVar contains an entry for this variant (Variation ID: 1990200). An algorithm developed to predict the effect of missense changes on protein structure and function outputs the following: PolyPhen-2: "Benign". The leucine amino acid residue is found in multiple mammalian species, which suggests that this missense change does not adversely affect protein function. In summary, the available evidence is currently insufficient to determine the role of this variant in disease. Therefore, it has been classified as a Variant of Uncertain Significance.

Ambry Genetics
Classification: Uncertain significance for Inborn genetic diseases. Last evaluated: 2025-05-05. Review status: criteria provided, single submitter. Criteria: Ambry Variant Classification Scheme 2023. Collection method: clinical testing. Allele origin: germline.